The following is an entry in ClinVar:

NM_016156.6(MTMR2):c.1884A>C (p.Arg628Ser)

Gene: MTMR2 (myotubularin related protein 2; minus strand). Cytogenetic location: 11q21.
Variant type: single nucleotide variant.
Coding change: c.1884A>C on transcript NM_016156.6 (MANE Select); coding-DNA position 1884, A replaced by C.
Protein change: p.Arg628Ser; replaces arginine 628 with serine.
Molecular consequence: missense variant.
Genome position (GRCh38, 1-based): chr11:95,835,338, T>G on the plus strand (A>C on the coding strand, the complement: MTMR2 is on the minus strand). VCF-style: chr11-95835338-T-G. GRCh37 (hg19) VCF-style: chr11-95568502-T-G.
Other names: c.1668A>C, p.Arg556Ser (NM_001243571.2, NM_201278.3, NM_201281.3); short protein forms R628S, R556S.
Identifiers: ClinVar variation 1389759 (VCV001389759.6), dbSNP rs747684213, ClinGen allele CA6239828.

ClinVar aggregate classification (germline): Uncertain significance (1 of 4 stars; one submission).

Conditions:
Charcot-Marie-Tooth disease type 4. Also called: Charcot-Marie-Tooth disease, type IV; Charcot-Marie-Tooth, Type 4. Identifiers: Orphanet 64749, MedGen C4082197, MONDO:0018995.

Allele frequency attached by ClinVar (database versions not stated): gnomAD exomes below 0.00001; ExAC 0.00001.
gnomAD v4.1: 5 of 1,613,112 alleles (0.00031%); highest among the groups gnomAD compares: Middle Eastern, 0.017%; no homozygotes.

Submission:

Labcorp Genetics (formerly Invitae), Labcorp
Classification: Uncertain significance for Charcot-Marie-Tooth disease type 4. Last evaluated: 2022-10-25. Review status: criteria provided, single submitter. Criteria: Invitae Variant Classification Sherloc (09022015). Collection method: clinical testing. Allele origin: germline.
Comment: ClinVar contains an entry for this variant (Variation ID: 1389759). In summary, the available evidence is currently insufficient to determine the role of this variant in disease. Therefore, it has been classified as a Variant of Uncertain Significance. Advanced modeling of protein sequence and biophysical properties (such as structural, functional, and spatial information, amino acid conservation, physicochemical variation, residue mobility, and thermodynamic stability) performed at Invitae indicates that this missense variant is not expected to disrupt MTMR2 protein function. This variant has not been reported in the literature in individuals affected with MTMR2-related conditions. This variant is present in population databases (rs747684213, gnomAD 0.0009%). This sequence change replaces arginine, which is basic and polar, with serine, which is neutral and polar, at codon 628 of the MTMR2 protein (p.Arg628Ser).